The following is an entry in ClinVar:

NM_001099922.3(ALG13):c.10G>A (p.Val4Met)

Gene: ALG13 (ALG13 UDP-N-acetylglucosaminyltransferase subunit; plus strand). Cytogenetic location: Xq23.
Variant type: single nucleotide variant.
Coding change: c.10G>A on transcript NM_001099922.3 (MANE Select); coding-DNA position 10, G replaced by A.
Protein change: p.Val4Met; replaces valine 4 with methionine.
Molecular consequence: missense variant. On other transcripts: 5 prime UTR variant (9), non-coding transcript variant (3).
Genome position (GRCh38, 1-based): chrX:111,681,228, G>A. VCF-style: chrX-111681228-G-A. GRCh37 (hg19) VCF-style: chrX-110924456-G-A.
Other names: c.10G>A, p.Val4Met (NM_001039210.5, NM_001168385.3, NM_001324290.2 and 2 more transcripts); c.-199G>A (NM_001257230.2, NM_001324291.2); c.-291G>A (NM_001257231.2, NM_001257241.3); c.-324G>A (NM_001257234.2, NM_001257235.3); c.-428G>A (NM_001257237.2, NM_001257240.3, NM_001324293.1); short protein forms V4M.
Identifiers: ClinVar variation 1041615 (VCV001041615.6), dbSNP rs1245567722, ClinGen allele CA414247961.

ClinVar aggregate classification (germline): Uncertain significance (1 of 4 stars; one submission).

Conditions:
Developmental and epileptic encephalopathy, 36 (DEE36). Also called: Congenital disorder of glycosylation, type Is; Epileptic encephalopathy, early infantile, 36; ALG13-CDG. Identifiers: Orphanet 324422, MedGen C4317295, MONDO:0010472, OMIM 300884.

Allele frequency attached by ClinVar (database versions not stated): TOPMed below 0.00001; gnomAD 0.00001.
gnomAD v4.1: 6 of 1,210,761 alleles (0.0005%); highest among the groups gnomAD compares: African/African-American, 0.0017%; no homozygotes.

Submission:

Labcorp Genetics (formerly Invitae), Labcorp
Classification: Uncertain significance for Developmental and epileptic encephalopathy, 36. Last evaluated: 2022-08-15. Review status: criteria provided, single submitter. Criteria: Invitae Variant Classification Sherloc (09022015). Collection method: clinical testing. Allele origin: germline.
Comment: This sequence change replaces valine, which is neutral and non-polar, with methionine, which is neutral and non-polar, at codon 4 of the ALG13 protein (p.Val4Met). This variant is present in population databases (no rsID available, gnomAD 0.001%), including at least one homozygous and/or hemizygous individual. This variant has not been reported in the literature in individuals affected with ALG13-related conditions. ClinVar contains an entry for this variant (Variation ID: 1041615). Algorithms developed to predict the effect of missense changes on protein structure and function are either unavailable or do not agree on the potential impact of this missense change (SIFT: "Deleterious"; PolyPhen-2: "Benign"; Align-GVGD: "Class C0"). In summary, the available evidence is currently insufficient to determine the role of this variant in disease. Therefore, it has been classified as a Variant of Uncertain Significance.